The following is an entry in ClinVar:

ClinVar aggregate classification (germline): Uncertain significance. Review status: criteria provided, multiple submitters, no conflicts (2 of 4 stars). 6 submissions from 5 submitters: Uncertain significance (6). Last evaluated 2025-11-01.

Conditions:
Usher syndrome type 2A. Also called: RETINAL DISEASE IN USHER SYNDROME TYPE IIA, MODIFIER OF; USHER SYNDROME, TYPE IIA. Identifiers: Orphanet 231178, Orphanet 886, MedGen C1848634, MONDO:0010169, OMIM 276901.
Retinitis pigmentosa 39 (RP39). Identifiers: Orphanet 791, MedGen C3151138, MONDO:0013436, OMIM 613809.

Allele frequency attached by ClinVar (database versions not stated): gnomAD 0.00001; ExAC 0.00002; TOPMed 0.00002; gnomAD exomes 0.00004.
gnomAD v4.1: 59 of 1,613,588 alleles (0.0037%); highest among the groups gnomAD compares: East Asian, 0.0067%; no homozygotes.

Submissions (6):

CeGaT Center for Human Genetics Tuebingen
Classification: Uncertain significance. Last evaluated: 2025-11-01. Review status: criteria provided, single submitter. Criteria: CeGaT Center For Human Genetics Tuebingen Variant Classification Criteria Version 2. Collection method: clinical testing. Allele origin: germline. Affected: yes. Observed: 1 variant allele.
Comment: USH2A: PM2, BP4

Labcorp Genetics (formerly Invitae), Labcorp
Classification: Uncertain significance. Last evaluated: 2024-04-17. Review status: criteria provided, single submitter. Criteria: Invitae Variant Classification Sherloc (09022015). Collection method: clinical testing. Allele origin: germline.
Comment: This sequence change replaces glycine, which is neutral and non-polar, with arginine, which is basic and polar, at codon 1827 of the USH2A protein (p.Gly1827Arg). This variant is present in population databases (rs745762091, gnomAD 0.006%). This variant has not been reported in the literature in individuals affected with USH2A-related conditions. ClinVar contains an entry for this variant (Variation ID: 2151002). Advanced modeling of protein sequence and biophysical properties (such as structural, functional, and spatial information, amino acid conservation, physicochemical variation, residue mobility, and thermodynamic stability) performed at Invitae indicates that this missense variant is not expected to disrupt USH2A protein function with a negative predictive value of 95%. In summary, the available evidence is currently insufficient to determine the role of this variant in disease. Therefore, it has been classified as a Variant of Uncertain Significance.

Genome-Nilou Lab
Classification: Uncertain significance for Retinitis pigmentosa 39. Last evaluated: 2023-11-04. Review status: criteria provided, single submitter. Criteria: ACMG Guidelines, 2015. Collection method: clinical testing. Allele origin: germline. Affected: no.

Genome-Nilou Lab
Classification: Uncertain significance for Usher syndrome type 2A. Last evaluated: 2023-11-04. Review status: criteria provided, single submitter. Criteria: ACMG Guidelines, 2015. Collection method: clinical testing. Allele origin: germline. Affected: no.

GeneDx
Classification: Uncertain significance. Last evaluated: 2023-03-30. Review status: criteria provided, single submitter. Criteria: GeneDx Variant Classification Process June 2021. Collection method: clinical testing. Allele origin: germline. Affected: yes.
Comment: Not observed at significant frequency in large population cohorts (gnomAD); In silico analysis supports that this missense variant does not alter protein structure/function; Has not been previously published as pathogenic or benign to our knowledge

Blueprint Genetics
Classification: Uncertain significance. Last evaluated: 2021-05-03. Review status: criteria provided, single submitter. Criteria: ACMG Guidelines, 2015. Collection method: clinical testing. Allele origin: germline.

NM_206933.4(USH2A):c.5479G>A (p.Gly1827Arg)

Genes: USH2A (usherin; minus strand), USH2A-AS2 (USH2A antisense RNA 2; plus strand). Cytogenetic location: 1q41.
Variant type: single nucleotide variant.
Coding change: c.5479G>A on transcript NM_206933.4 (MANE Select); coding-DNA position 5479, G replaced by A.
Protein change: p.Gly1827Arg; replaces glycine 1827 with arginine.
Molecular consequence: missense variant.
Genome position (GRCh38, 1-based): chr1:216,078,182, C>T on the plus strand (G>A on the coding strand, the complement: USH2A is on the minus strand). VCF-style: chr1-216078182-C-T. GRCh37 (hg19) VCF-style: chr1-216251524-C-T.
Other names: c.5479G>A (NM_206933.2); short protein forms G1827R.
Identifiers: ClinVar variation 2151002 (VCV002151002.11), dbSNP rs745762091, ClinGen allele CA1395441.